The following is an entry in ClinVar:

NM_024675.4(PALB2):c.1408A>G (p.Thr470Ala)

Gene: PALB2 (partner and localizer of BRCA2; minus strand). Cytogenetic location: 16p12.2.
Variant type: single nucleotide variant.
Coding change: c.1408A>G on transcript NM_024675.4 (MANE Select); coding-DNA position 1408, A replaced by G.
Protein change: p.Thr470Ala; replaces threonine 470 with alanine.
Molecular consequence: missense variant.
Genome position (GRCh38, 1-based): chr16:23,635,138, T>C on the plus strand (A>G on the coding strand, the complement: PALB2 is on the minus strand). VCF-style: chr16-23635138-T-C. GRCh37 (hg19) VCF-style: chr16-23646459-T-C.
Other names: short protein forms T470A.
Identifiers: ClinVar variation 185197 (VCV000185197.29), dbSNP rs150636811, ClinGen allele CA191289.
Genomic context (GRCh38, chr16:23,635,138, plus strand): 5'-GAGAGCTGACTTTAGTTAATGAGAGAAGTTTCTGAGAGGTTCTTGAACTTGGTTGTCCTG[T>C]GCATGTGCCAGACATCCTAATTTCACTTTGGTCAGTTTCCTCATTGGAAAGGTTTAAATT-3'
Protein context (NP_078951.2, residues 460-480): QSEIRMSGTC[Thr470Ala]GQPSSRTSQK

ClinVar aggregate classification (germline): Conflicting classifications of pathogenicity. Review status: criteria provided, conflicting classifications (1 of 4 stars). 10 submissions from 10 submitters: Uncertain significance (8); Likely benign (2). Last evaluated 2025-11-17.

Conditions:
Inherited breast cancer and ovarian cancer.
Breast-ovarian cancer, familial, susceptibility to, 5 (BROVCA5). Identifiers: MedGen C5830615, MONDO:0957530, OMIM 620442.
Hereditary cancer-predisposing syndrome. Also called: Hereditary neoplastic syndrome; Neoplastic Syndromes, Hereditary; Tumor predisposition; Hereditary Cancer Syndrome. Identifiers: Orphanet 140162, MedGen C0027672, MeSH D009386, MONDO:0015356.
Familial cancer of breast. Also called: BREAST CANCER, FAMILIAL; Hereditary breast cancer; hereditary breast carcinoma. Identifiers: Orphanet 227535, MedGen C0346153, MONDO:0016419, OMIM 114480. Disease mechanism: loss of function.

Allele frequency attached by ClinVar (database versions not stated): gnomAD 0.00001; gnomAD exomes 0.00001; ExAC 0.00002; TOPMed 0.00002; 1000 Genomes Project 30x 0.00016; 1000 Genomes Project 0.00020.

Submissions (10):

Labcorp Genetics (formerly Invitae), Labcorp
Classification: Uncertain significance for Familial cancer of breast. Last evaluated: 2025-11-17. Review status: criteria provided, single submitter. Criteria: Invitae Variant Classification Sherloc (09022015). Collection method: clinical testing. Allele origin: germline.
Comment: This sequence change replaces threonine, which is neutral and polar, with alanine, which is neutral and non-polar, at codon 470 of the PALB2 protein (p.Thr470Ala). This variant is present in population databases (rs150636811, gnomAD 0.003%). This missense change has been observed in individual(s) with Wilms tumor, paraganglioma, breast cancer, and thyroid cancer (PMID: 30344923, 32408270, 34026625, 34326862, 35534704, 35980532). ClinVar contains an entry for this variant (Variation ID: 185197). Invitae Evidence Modeling of protein sequence and biophysical properties (such as structural, functional, and spatial information, amino acid conservation, physicochemical variation, residue mobility, and thermodynamic stability) indicates that this missense variant is not expected to disrupt PALB2 protein function with a negative predictive value of 80%. In summary, the available evidence is currently insufficient to determine the role of this variant in disease. Therefore, it has been classified as a Variant of Uncertain Significance.

Center for Genomic Medicine, Rigshospitalet, Copenhagen University Hospital
Classification: Uncertain significance. Last evaluated: 2025-03-04. Review status: criteria provided, single submitter. Criteria: ACMG Guidelines, 2015. Collection method: clinical testing. Allele origin: germline.

Genomics and Molecular Medicine Service, East Genomic Laboratory Hub, NHS Genomic Medicine Service
Classification: Uncertain significance for Inherited breast cancer and ovarian cancer. Last evaluated: 2024-10-23. Review status: criteria provided, single submitter. Criteria: ACGS Best Practice Guidelines for Variant Classification in Rare Disease 2020. Collection method: clinical testing. Allele origin: germline. Affected: yes.
Comment: BP1

Quest Diagnostics Nichols Institute San Juan Capistrano
Classification: Uncertain significance. Last evaluated: 2024-05-28. Review status: criteria provided, single submitter. Criteria: Quest Diagnostics criteria. Collection method: clinical testing. Allele origin: unknown.
Comment: The PALB2 c.1408A>G (p.Thr470Ala) variant has been reported in the published literature in individuals with breast cancer (PMID: 35534704 (2022)), suspected hereditary breast/ovarian cancer (PMIDs: 35980532 (2022), 34026625 (2021)), gastric cancer (PMID: 34326862 (2021)), and Wilms tumor (PMID: 30344923 (2018)). It has also been identified in an individual affected with thyroid cancer, breast cancer, and cervical paraganglioma (PMID: 32408270 (2020)). In a case-control study, this variant was observed in 3 individuals with breast cancer and in 3 reportedly healthy individuals (PMID: 33471991 (2021), see also LOVD). The frequency of this variant in the general population, 0.000012 (3/251132 chromosomes (Genome Aggregation Database)), is uninformative in the assessment of its pathogenicity. Analysis of this variant using bioinformatics tools for the prediction of the effect of amino acid changes on protein structure and function yielded predictions that this variant is benign. Based on the available information, we are unable to determine the clinical significance of this variant.

Mendelics
Classification: Likely benign for Familial cancer of breast. Last evaluated: 2024-04-09. Review status: criteria provided, single submitter. Criteria: ACMG Guidelines, 2015. Collection method: clinical testing. Allele origin: unknown.

Ambry Genetics
Classification: Likely benign for Hereditary cancer-predisposing syndrome. Last evaluated: 2024-03-06. Review status: criteria provided, single submitter. Criteria: Ambry Variant Classification Scheme 2023. Collection method: clinical testing. Allele origin: germline.

Color Diagnostics, LLC DBA Color Health
Classification: Uncertain significance for Hereditary cancer-predisposing syndrome. Last evaluated: 2024-02-13. Review status: criteria provided, single submitter. Criteria: ACMG Guidelines, 2015. Collection method: clinical testing. Allele origin: germline.
Comment: This missense variant replaces threonine with alanine at codon 470 of the PALB2 protein. Computational prediction suggests that this variant may not impact protein structure and function. To our knowledge, functional studies have not been reported for this variant. This variant has been reported in an individual affected with breast cancer and an individual affected with breast, ovarian or pancreatic cancer (PMID: 32408270, 34026625) and a breast cancer case-control meta-analysis has reported this variant in 3/60466 cases and 3/53461 unaffected individuals (PMID: 33471991; Leiden Open Variation Database DB-ID PALB2_011035). This variant also has been reported in an individual affected with Wilm's tumor (PMID: 30344923). This variant has been identified in 3/251132 chromosomes in the general population by the Genome Aggregation Database (gnomAD). The available evidence is insufficient to determine the role of this variant in disease conclusively. Therefore, this variant is classified as a Variant of Uncertain Significance.

Women's Health and Genetics/Laboratory Corporation of America, LabCorp
Classification: Uncertain significance. Last evaluated: 2022-05-19. Review status: criteria provided, single submitter. Criteria: LabCorp Variant Classification Summary - May 2015. Collection method: clinical testing. Allele origin: germline.
Comment: Variant summary: PALB2 c.1408A>G (p.Thr470Ala) results in a non-conservative amino acid change in the encoded protein sequence. Four of five in-silico tools predict a benign effect of the variant on protein function. The variant allele was found at a frequency of 1.2e-05 in 251132 control chromosomes. The available data on variant occurrences in the general population are insufficient to allow any conclusion about variant significance. c.1408A>G has been reported in the literature in individuals affected with breast cancer and Wilms tumor, without strong evidence of causality (Pedro_2020, Doddato_2021, Ciceri_2018). These reports do not provide unequivocal conclusions about association of the variant with Breast Cancer. To our knowledge, no experimental evidence demonstrating an impact on protein function has been reported. Five clinical diagnostic laboratories have submitted clinical-significance assessments for this variant to ClinVar after 2014 without evidence for independent evaluation. All laboratories classified the variant as uncertain significance. Based on the evidence outlined above, the variant was classified as uncertain significance.

Department of Pathology and Laboratory Medicine, Sinai Health System
Classification: Uncertain significance for Breast-ovarian cancer, familial, susceptibility to, 5. Last evaluated: 2022-03-07. Review status: criteria provided, single submitter. Criteria: ACMG Guidelines, 2015. Collection method: clinical testing. Allele origin: germline. Affected: yes.

GeneDx
Classification: Uncertain significance. Last evaluated: 2018-02-19. Review status: criteria provided, single submitter. Criteria: GeneDx Variant Classification (06012015). Collection method: clinical testing. Allele origin: germline. Affected: yes.
Comment: This variant is denoted PALB2 c.1408A>G at the cDNA level, p.Thr470Ala (T470A) at the protein level, and results in the change of a Threonine to an Alanine (ACA>GCA). This variant has not, to our knowledge, been published in the literature as pathogenic or benign. PALB2 Thr470Ala was not observed at a significant allele frequency in large population cohorts (Lek 2016). PALB2 Thr470Ala is not located in a known functional domain. In-silico analysis, which includes protein predictors and evolutionary conservation, supports that this variant does not alter protein structure/function. Based on currently available evidence, it is unclear whether PALB2 Thr470Ala is a pathogenic or benign variant. We consider it to be a variant of uncertain significance.

Literature cited by the submitters: PubMed 30344923 (cited by 4 submitters); PubMed 32408270 (cited by 5 submitters); PubMed 34026625 (cited by 4 submitters); PubMed 34326862 (cited by Labcorp Genetics (formerly Invitae), Labcorp and Quest Diagnostics Nichols Institute San Juan Capistrano); PubMed 35534704 (cited by Labcorp Genetics (formerly Invitae), Labcorp and Quest Diagnostics Nichols Institute San Juan Capistrano); PubMed 35980532 (cited by Labcorp Genetics (formerly Invitae), Labcorp and Quest Diagnostics Nichols Institute San Juan Capistrano); PubMed 33471991 (cited by Quest Diagnostics Nichols Institute San Juan Capistrano and Color Diagnostics, LLC DBA Color Health).